The following is an entry in ClinVar:

ClinVar aggregate classification (germline): Pathogenic (1 of 4 stars; one submission).

Submission:

Labcorp Genetics (formerly Invitae), Labcorp
Classification: Pathogenic. Last evaluated: 2022-06-24. Review status: criteria provided, single submitter. Criteria: Invitae Variant Classification Sherloc (09022015). Collection method: clinical testing. Allele origin: germline.
Comment: For these reasons, this variant has been classified as Pathogenic. This variant has not been reported in the literature in individuals affected with PIKFYVE-related conditions. A gross deletion of the genomic region encompassing the full coding sequence of the PIKFYVE gene has been identified. Loss-of-function variants in PIKFYVE are known to be pathogenic (PMID: 15902656, 23288988, 26396486). The boundaries of this event are unknown as they extend beyond the assayed region for this gene and therefore may encompass additional genes.

Literature cited by the submitters: PubMed 15902656; PubMed 23288988; PubMed 26396486.

NC_000002.11:g.(?_208986397)_(209220029_?)del

Genes: C2orf80 (chromosome 2 open reading frame 80; minus strand), CRYGA (crystallin gamma A; minus strand), CRYGB (crystallin gamma B; minus strand), CRYGC (crystallin gamma C; minus strand), CRYGD (crystallin gamma D; minus strand) and 2 more. Cytogenetic location: 2q33.3-34.
Variant type: Deletion.
Identifiers: ClinVar variation 2426035 (VCV002426035.5).